The following is an entry in ClinVar:

ClinVar aggregate classification (germline): Pathogenic. Review status: reviewed by expert panel (3 of 4 stars). 4 submissions from 4 submitters: Pathogenic (1). 3 of the submissions do not count toward it. Last evaluated 2025-05-19.

Conditions:
Retinal dystrophy. Also called: Inherited retinal dystrophy. Identifiers: Orphanet 71862, MedGen C0854723, MeSH D058499, MONDO:0019118, HP:0000556.
Juvenile retinoschisis (RS1). Also called: X-linked retinoschisis; X-Linked Juvenile Retinoschisis. Identifiers: Orphanet 792, MedGen C3714753, MONDO:0010725, OMIM 312700.

Submissions (4):

ClinGen X-linked Inherited Retinal Disease Variant Curation Expert Panel, ClinGen
Classification: Pathogenic for Juvenile retinoschisis. Last evaluated: 2025-05-19. Review status: reviewed by expert panel. Criteria: ClinGen X LinkedIRD ACMG Specifications RS1 V1.0.0. Collection method: curation. Allele origin: germline. Inheritance: X-linked inheritance.
Comment: The NM_000330.4(RS1):c.33_36del variant is a frameshift variant due to four nucleotide deletion introducing a premature stop codon after 114 amino acids and causing a truncated protein. This variant is absent from hemizygous individuals in gnomAD v4.1.0 (PM2_Supporting). This is a frameshift variant that introduces a premature stop codon between amino acids 1-223 that is predicted to either trigger nonsense-mediated decay or to disrupt a critical C-terminal region required for proper function of RS1 (PVS1, PMID: 19849666). The variant has been reported to segregate with retinal dystrophy through at least 2 meioses in the one family families (PP1_moderate; PMID: 34828422). At least one proband harboring this variant exhibits a phenotype including appearance of schisis and reduced visual acuity before age 13 years, which together are specific for X-linked retinoschisis (PMID: 34828422, PP4). This variant has been reported in at least 1 proband meeting one of the PS4 requirements of a male diagnosed with X-linked retinoschisis, as well as a second apparently unrelated proband previously used for the PP4 code (PMIDs: 32531858, 9618178, PS4_Supporting). In summary, this variant is classified as pathogenic for X-linked retinoschisis based on the ClinGen X-linked Inherited Retinal Disease Expert Panel Specifications to the ACMG/AMP Variant Interpretation Guidelines for RS1 Version 1.0.0: PVS1, PM2_supporting, PP4, PS4_supporting, and PP1_strong (date of approval 01/24/2025).

Institute of Human Genetics, Univ. Regensburg, Univ. Regensburg
Classification: Pathogenic for Retinal dystrophy. Last evaluated: 2019-01-01. Review status: criteria provided, single submitter. Criteria: ACMG Guidelines, 2015. Collection method: clinical testing. Allele origin: germline. Affected: yes. Not counted in ClinVar's aggregate classification.

CeGaT Center for Human Genetics Tuebingen
Classification: Pathogenic. Last evaluated: 2018-06-01. Review status: criteria provided, single submitter. Criteria: CeGaT Center For Human Genetics Tuebingen Variant Classification Criteria Version 2. Collection method: clinical testing. Allele origin: germline. Affected: yes. Observed: 1 variant allele. Not counted in ClinVar's aggregate classification.

Retina International
No classification provided. Review status: no classification provided. Collection method: not provided. Allele origin: not provided. Not counted in ClinVar's aggregate classification.

Literature cited by the submitters: PubMed 9618178 (cited by Institute of Human Genetics, Univ. Regensburg, Univ. Regensburg); PubMed 32531858 (cited by Institute of Human Genetics, Univ. Regensburg, Univ. Regensburg); PubMed 34828422 (cited by Institute of Human Genetics, Univ. Regensburg, Univ. Regensburg).

NM_000330.4(RS1):c.33_36del (p.Leu11fs)

Gene: RS1 (retinoschisin 1; minus strand). Cytogenetic location: Xp22.13.
Variant type: Deletion.
Coding change: c.33_36del on transcript NM_000330.4 (MANE Select); coding-DNA positions 33 to 36, 4 bases deleted (ACTT; older notation c.33_36delACTT).
Protein change: p.Leu11fs; shifts the reading frame from leucine 11.
Molecular consequence: frameshift variant.
Genome position (GRCh38, 1-based): chrX:18,672,033-18,672,036, AAGT deleted on the plus strand (ACTT on the coding strand, the reverse complement: RS1 is on the minus strand); deleting any 4 consecutive bases within chrX:18,672,033-18,672,038 gives the same sequence; the c. name uses the placement nearest the transcript's 3' end. VCF-style (leftmost placement, unchanged base first): chrX-18672032-GAAGT-G. GRCh37 (hg19) VCF-style: chrX-18690152-GAAGT-G.
Other names: NM_000330.4(RS1):c.33_36del; p.Leu11fs; c.33_36delACTT (NM_000330.3); short protein forms L11fs.
Identifiers: ClinVar variation 98944 (VCV000098944.42), dbSNP rs281865335, ClinGen allele CA226699.